The following is an entry in ClinVar:

NM_000388.4(CASR):c.1642G>A (p.Ala548Thr)

Gene: CASR (calcium sensing receptor; plus strand). Cytogenetic location: 3q21.1.
Variant type: single nucleotide variant.
Coding change: c.1642G>A on transcript NM_000388.4 (MANE Select); coding-DNA position 1642, G replaced by A.
Protein change: p.Ala548Thr; replaces alanine 548 with threonine.
Molecular consequence: missense variant.
Genome position (GRCh38, 1-based): chr3:122,282,146, G>A. VCF-style: chr3-122282146-G-A. GRCh37 (hg19) VCF-style: chr3-122000993-G-A.
Other names: c.1642G>A (NM_000388.3); c.1672G>A, p.Ala558Thr (NM_001178065.2); short protein forms A548T, A558T.
Identifiers: ClinVar variation 1446608 (VCV001446608.8), dbSNP rs200647941, ClinGen allele CA2569719.

ClinVar aggregate classification (germline): Uncertain significance. Review status: criteria provided, multiple submitters, no conflicts (2 of 4 stars). 3 submissions from 3 submitters: Uncertain significance (3). Last evaluated 2025-12-29.

Conditions:
Familial hypocalciuric hypercalcemia (FHH). Also called: Familial benign hypercalcemia. Identifiers: Orphanet 405, MedGen C1809471, MONDO:0018458.
Autosomal dominant hypocalcemia 1 (HYPOC1). Also called: HYPOCALCEMIA, FAMILIAL. Identifiers: MedGen C3715128, MONDO:0011013, OMIM 601198.
Nephrolithiasis/nephrocalcinosis. Identifiers: MedGen CN580796.

Allele frequency attached by ClinVar (database versions not stated): ExAC 0.00002.
gnomAD v4.1: 6 of 1,614,218 alleles (0.00037%); highest among the groups gnomAD compares: South Asian, 0.0044%; no homozygotes.

Submissions (3):

Center for Genomic Medicine, Rigshospitalet, Copenhagen University Hospital
Classification: Uncertain significance. Last evaluated: 2025-12-29. Review status: criteria provided, single submitter. Criteria: ACMG Guidelines, 2015. Collection method: clinical testing. Allele origin: germline.

Labcorp Genetics (formerly Invitae), Labcorp
Classification: Uncertain significance for Familial hypocalciuric hypercalcemia; Autosomal dominant hypocalcemia 1. Last evaluated: 2025-12-20. Review status: criteria provided, single submitter. Criteria: Invitae Variant Classification Sherloc (09022015). Collection method: clinical testing. Allele origin: germline.
Comment: This sequence change replaces alanine, which is neutral and non-polar, with threonine, which is neutral and polar, at codon 548 of the CASR protein (p.Ala548Thr). This variant is present in population databases (rs200647941, gnomAD 0.002%). This variant has not been reported in the literature in individuals affected with CASR-related conditions. ClinVar contains an entry for this variant (Variation ID: 1446608). An algorithm developed to predict the effect of missense changes on protein structure and function (PolyPhen-2) suggests that this variant is likely to be tolerated. In summary, the available evidence is currently insufficient to determine the role of this variant in disease. Therefore, it has been classified as a Variant of Uncertain Significance.

Ambry Genetics
Classification: Uncertain significance for Nephrolithiasis/nephrocalcinosis. Last evaluated: 2022-11-15. Review status: criteria provided, single submitter. Criteria: Ambry Variant Classification Scheme 2023. Collection method: clinical testing. Allele origin: germline.
Comment: The p.A548T variant (also known as c.1642G>A), located in coding exon 5 of the CASR gene, results from a G to A substitution at nucleotide position 1642. The alanine at codon 548 is replaced by threonine, an amino acid with similar properties. This amino acid position is conserved. In addition, the in silico prediction for this alteration is inconclusive. Since supporting evidence is limited at this time, the clinical significance of this alteration remains unclear.